The following is an entry in ClinVar:

NM_000059.4(BRCA2):c.1765A>G (p.Lys589Glu)

Gene: BRCA2 (BRCA2 DNA repair associated; plus strand). Cytogenetic location: 13q13.1.
Variant type: single nucleotide variant.
Coding change: c.1765A>G on transcript NM_000059.4 (MANE Select); coding-DNA position 1765, A replaced by G.
Protein change: p.Lys589Glu; replaces lysine 589 with glutamic acid.
Molecular consequence: missense variant.
Genome position (GRCh38, 1-based): chr13:32,333,243, A>G. VCF-style: chr13-32333243-A-G. GRCh37 (hg19) VCF-style: chr13-32907380-A-G.
Other names: short protein forms K589E.
Identifiers: ClinVar variation 573841 (VCV000573841.13), dbSNP rs587781801, ClinGen allele CA387765603.

ClinVar aggregate classification (germline): Conflicting classifications of pathogenicity. Review status: criteria provided, conflicting classifications (1 of 4 stars). 5 submissions from 5 submitters: Uncertain significance (4); Likely benign (1). Last evaluated 2024-12-09.

Conditions:
Hereditary breast ovarian cancer syndrome. Also called: BRCA1- and BRCA2-Associated Hereditary Breast and Ovarian Cancer; Hereditary breast and ovarian cancer; Hereditary breast and/or ovarian cancer syndrome; Hereditary breast and ovarian cancer syndrome; Hereditary breast and ovarian cancer syndrome (HBOC); Breast and ovarian cancer. Identifiers: Orphanet 145, MedGen C0677776, MeSH D061325, MONDO:0003582. Disease mechanism: loss of function.
Hereditary cancer-predisposing syndrome. Also called: Neoplastic Syndromes, Hereditary; Hereditary Cancer Syndrome; Tumor predisposition; Hereditary neoplastic syndrome. Identifiers: Orphanet 140162, MedGen C0027672, MeSH D009386, MONDO:0015356.

gnomAD v4.1: 1 of 1,612,310 alleles (0.000062%); highest among the groups gnomAD compares: Non-Finnish European, 0.000085%; no homozygotes.

Submissions (5):

Labcorp Genetics (formerly Invitae), Labcorp
Classification: Uncertain significance for Hereditary breast ovarian cancer syndrome. Last evaluated: 2024-12-09. Review status: criteria provided, single submitter. Criteria: Invitae Variant Classification Sherloc (09022015). Collection method: clinical testing. Allele origin: germline.
Comment: This sequence change replaces lysine, which is basic and polar, with glutamic acid, which is acidic and polar, at codon 589 of the BRCA2 protein (p.Lys589Glu). This variant is not present in population databases (gnomAD no frequency). This variant has not been reported in the literature in individuals affected with BRCA2-related conditions. ClinVar contains an entry for this variant (Variation ID: 573841). Invitae Evidence Modeling of protein sequence and biophysical properties (such as structural, functional, and spatial information, amino acid conservation, physicochemical variation, residue mobility, and thermodynamic stability) indicates that this missense variant is not expected to disrupt BRCA2 protein function with a negative predictive value of 95%. In summary, the available evidence is currently insufficient to determine the role of this variant in disease. Therefore, it has been classified as a Variant of Uncertain Significance.

Ambry Genetics
Classification: Uncertain significance for Hereditary cancer-predisposing syndrome. Last evaluated: 2023-12-11. Review status: criteria provided, single submitter. Criteria: Ambry Variant Classification Scheme 2023. Collection method: clinical testing. Allele origin: germline.
Comment: The p.K589E variant (also known as c.1765A>G), located in coding exon 9 of the BRCA2 gene, results from an A to G substitution at nucleotide position 1765. The lysine at codon 589 is replaced by glutamic acid, an amino acid with similar properties. This amino acid position is well conserved in available vertebrate species. In addition, this alteration is predicted to be tolerated by in silico analysis. Since supporting evidence is limited at this time, the clinical significance of this alteration remains unclear.

Institute for Biomarker Research, Medical Diagnostic Laboratories, L.L.C.
Classification: Uncertain significance for Hereditary breast ovarian cancer syndrome. Last evaluated: 2023-06-02. Review status: criteria provided, single submitter. Criteria: ACMG Guidelines, 2015. Collection method: clinical testing. Allele origin: germline.

University of Washington Department of Laboratory Medicine, University of Washington
Classification: Likely benign for Hereditary cancer-predisposing syndrome. Last evaluated: 2023-03-23. Review status: criteria provided, single submitter. Criteria: Dines et al. (Genet Med. 2020). Collection method: curation. Allele origin: germline.
Comment: Missense variant in a coldspot region where missense variants are very unlikely to be pathogenic (PMID:31911673).

BRCA2 exon 10 coldspot. Reclassification based on statistical prior probability.

Sema4
Classification: Uncertain significance for Hereditary cancer-predisposing syndrome. Last evaluated: 2022-03-12. Review status: criteria provided, single submitter. Criteria: Sema4 Curation Guidelines. Collection method: curation. Allele origin: germline.
Comment: The BRCA2 c.1765A>G (p.K589E) variant has been reported in a large case-control study in 1/60466 breast cancer cases and in 0/53461 controls (PMID: 33471991). It was not observed in the large and broad cohorts of the Genome Aggregation Database (PMID: 32461654). The variant has been reported in ClinVar (Variation ID 573841). Functional studies have not been performed, and in silico predictions of the variant's effect on protein function are inconclusive. The evidence is insufficient to meet ACMG/AMP criteria for classifying the variant as benign or pathogenic. Thus, the clinical significance of this variant is currently uncertain.

Literature cited by the submitters: PubMed 33471991 (cited by Sema4).